The following is an entry in ClinVar:

NM_003072.5(SMARCA4):c.2423T>G (p.Ile808Ser)

Gene: SMARCA4 (SWI/SNF related BAF chromatin remodeling complex subunit ATPase 4; plus strand). Cytogenetic location: 19p13.2.
Variant type: single nucleotide variant.
Coding change: c.2423T>G on transcript NM_003072.5 (MANE Select); coding-DNA position 2423, T replaced by G.
Protein change: p.Ile808Ser; replaces isoleucine 808 with serine.
Molecular consequence: missense variant. On other transcripts: non-coding transcript variant (1).
Genome position (GRCh38, 1-based): chr19:11,013,097, T>G. VCF-style: chr19-11013097-T-G. GRCh37 (hg19) VCF-style: chr19-11123773-T-G.
Other names: c.2423T>G, p.Ile808Ser (NM_001128844.3, NM_001128845.2, NM_001128846.2 and 6 more transcripts); short protein forms I808S.
Identifiers: ClinVar variation 2734774 (VCV002734774.3), dbSNP rs2146281325, ClinGen allele CA404053337.

ClinVar aggregate classification (germline): Uncertain significance (1 of 4 stars; one submission).

Conditions:
Rhabdoid tumor predisposition syndrome 2 (RTPS2). Identifiers: Orphanet 231108, Orphanet 69077, MedGen C2750074, MONDO:0013224, OMIM 613325.

Allele frequency attached by ClinVar (database versions not stated): gnomAD exomes below 0.00001.

Submission:

Labcorp Genetics (formerly Invitae), Labcorp
Classification: Uncertain significance for Rhabdoid tumor predisposition syndrome 2. Last evaluated: 2023-07-03. Review status: criteria provided, single submitter. Criteria: Invitae Variant Classification Sherloc (09022015). Collection method: clinical testing. Allele origin: germline.
Comment: This sequence change replaces isoleucine, which is neutral and non-polar, with serine, which is neutral and polar, at codon 808 of the SMARCA4 protein (p.Ile808Ser). This variant is not present in population databases (gnomAD no frequency). This variant has not been reported in the literature in individuals affected with SMARCA4-related conditions. Advanced modeling of protein sequence and biophysical properties (such as structural, functional, and spatial information, amino acid conservation, physicochemical variation, residue mobility, and thermodynamic stability) performed at Invitae indicates that this missense variant is expected to disrupt SMARCA4 protein function. In summary, the available evidence is currently insufficient to determine the role of this variant in disease. Therefore, it has been classified as a Variant of Uncertain Significance.